The following is an entry in ClinVar:

NM_004304.5(ALK):c.4019A>G (p.Glu1340Gly)

Gene: ALK (ALK receptor tyrosine kinase; minus strand). Cytogenetic location: 2p23.2.
Variant type: single nucleotide variant.
Coding change: c.4019A>G on transcript NM_004304.5 (MANE Select); coding-DNA position 4019, A replaced by G.
Protein change: p.Glu1340Gly; replaces glutamic acid 1340 with glycine.
Molecular consequence: missense variant.
Genome position (GRCh38, 1-based): chr2:29,197,596, T>C on the plus strand (A>G on the coding strand, the complement: ALK is on the minus strand). VCF-style: chr2-29197596-T-C. GRCh37 (hg19) VCF-style: chr2-29420462-T-C.
Other names: c.815A>G, p.Glu272Gly (NM_001353765.2); short protein forms E1340G, E272G.
Identifiers: ClinVar variation 485086 (VCV000485086.14), dbSNP rs1469977891, ClinGen allele CA346466061.

ClinVar aggregate classification (germline): Uncertain significance. Review status: criteria provided, multiple submitters, no conflicts (2 of 4 stars). 2 submissions from 2 submitters: Uncertain significance (2). Last evaluated 2023-05-02.

Conditions:
Hereditary cancer-predisposing syndrome. Also called: Hereditary neoplastic syndrome; Neoplastic Syndromes, Hereditary; Tumor predisposition; Hereditary Cancer Syndrome. Identifiers: Orphanet 140162, MedGen C0027672, MeSH D009386, MONDO:0015356.
Neuroblastoma, susceptibility to, 3. Also called: ALK-Related Neuroblastic Tumor Susceptibility. Identifiers: Orphanet 635, MedGen C2751681, MONDO:0013083, OMIM 613014.

Allele frequency attached by ClinVar (database versions not stated): gnomAD exomes below 0.00001; TOPMed 0.00001.
gnomAD v4.1: 2 of 1,613,870 alleles (0.00012%); highest among the groups gnomAD compares: Non-Finnish European, 0.00017%; no homozygotes.

Submissions (2):

Ambry Genetics
Classification: Uncertain significance for Hereditary cancer-predisposing syndrome. Last evaluated: 2023-05-02. Review status: criteria provided, single submitter. Criteria: Ambry Variant Classification Scheme 2023. Collection method: clinical testing. Allele origin: germline.
Comment: The p.E1340G variant (also known as c.4019A>G), located in coding exon 27 of the ALK gene, results from an A to G substitution at nucleotide position 4019. The glutamic acid at codon 1340 is replaced by glycine, an amino acid with similar properties. This amino acid position is highly conserved in available vertebrate species. In addition, this alteration is predicted to be deleterious by in silico analysis. Since supporting evidence is limited at this time, the clinical significance of this alteration remains unclear.

Labcorp Genetics (formerly Invitae), Labcorp
Classification: Uncertain significance for Neuroblastoma, susceptibility to, 3. Last evaluated: 2018-07-10. Review status: criteria provided, single submitter. Criteria: Invitae Variant Classification Sherloc (09022015). Collection method: clinical testing. Allele origin: germline.
Comment: This variant has not been reported in the literature in individuals with ALK-related disease. ClinVar contains an entry for this variant (Variation ID: 485086). In summary, the available evidence is currently insufficient to determine the role of this variant in disease. Therefore, it has been classified as a Variant of Uncertain Significance. Algorithms developed to predict the effect of missense changes on protein structure and function are either unavailable or do not agree on the potential impact of this missense change (SIFT: "Deleterious"; PolyPhen-2: "Probably Damaging"; Align-GVGD: "Class C0"). This variant is not present in population databases (ExAC no frequency). This sequence change replaces glutamic acid with glycine at codon 1340 of the ALK protein (p.Glu1340Gly). The glutamic acid residue is highly conserved and there is a moderate physicochemical difference between glutamic acid and glycine.